The following is an entry in ClinVar:

NM_004260.4(RECQL4):c.717_719del (p.Ser240del)

Gene: RECQL4 (RecQ like helicase 4; minus strand). Cytogenetic location: 8q24.3.
Variant type: Deletion.
Coding change: c.717_719del on transcript NM_004260.4 (MANE Select); coding-DNA positions 717 to 719, 3 bases deleted (TTC; older notation c.717_719delTTC).
Protein change: p.Ser240del; deletes serine 240.
Molecular consequence: inframe deletion. On other transcripts: inframe indel (9).
Genome position (GRCh38, 1-based): chr8:144,516,400-144,516,402, GAA deleted on the plus strand (TTC on the coding strand, the reverse complement: RECQL4 is on the minus strand); deleting any 3 consecutive bases within chr8:144,516,400-144,516,403 gives the same sequence; the c. name uses the placement nearest the transcript's 3' end. VCF-style (leftmost placement, unchanged base first): chr8-144516399-TGAA-T. GRCh37 (hg19) VCF-style: chr8-145741783-TGAA-T.
Other names: c.716_718delCTT, p.Ser240del (NM_001413017.1, NM_001413018.1, NM_001413019.1 and 4 more transcripts); c.-356_-354delCTT (NM_001413021.1, NM_001413022.1, NM_001413023.1 and 7 more transcripts); c.587_589delCTT, p.Ser197del (NM_001413025.1); c.-418_-416delCTT (NM_001413027.1, NM_001413030.1, NM_001413031.1 and 2 more transcripts); c.365_367delCTT, p.Ser123del (NM_001413029.1); c.-260_-258delCTT (NM_001413034.1); c.-625_-623delCTT (NM_001413043.1); short protein forms S123del, S240del, S197del.
Identifiers: ClinVar variation 2031850 (VCV002031850.4), dbSNP rs2538091991, ClinGen allele CA2580078734.
Genomic context (GRCh38, chr8:144,516,399, plus strand): 5'-CTCGCCTCCACTGCTGCTGGGCTGGGGGCTCCCCACACGGATGCTGACTTCTTGGAAGGC[TGAA>T]GCCTCTGGGCCCTGGGAGCCAGCACCAGGACCAAGGACAGCCGACTCACCAGGGATCAGA-3'

ClinVar aggregate classification (germline): Uncertain significance (1 of 4 stars; one submission).

Conditions:
Baller-Gerold syndrome (BGS). Also called: CRANIOSYNOSTOSIS WITH RADIAL DEFECTS. Identifiers: Orphanet 1225, MedGen C0265308, MONDO:0009039, OMIM 218600.

Submission:

Labcorp Genetics (formerly Invitae), Labcorp
Classification: Uncertain significance for Baller-Gerold syndrome. Last evaluated: 2022-09-22. Review status: criteria provided, single submitter. Criteria: Invitae Variant Classification Sherloc (09022015). Collection method: clinical testing. Allele origin: germline.
Comment: In summary, the available evidence is currently insufficient to determine the role of this variant in disease. Therefore, it has been classified as a Variant of Uncertain Significance. Experimental studies and prediction algorithms are not available or were not evaluated, and the functional significance of this variant is currently unknown. This variant has not been reported in the literature in individuals affected with RECQL4-related conditions. This variant is not present in population databases (gnomAD no frequency). This variant, c.717_719del, results in the deletion of 1 amino acid(s) of the RECQL4 protein (p.Ser240del), but otherwise preserves the integrity of the reading frame.